The following is an entry in ClinVar:

ClinVar aggregate classification (germline): Uncertain significance (1 of 4 stars; one submission).

Conditions:
RASopathy. Also called: rasopathies; Noonan spectrum disorder. Identifiers: Orphanet 536391, MedGen C5555857, MONDO:0021060.

Submission:

Labcorp Genetics (formerly Invitae), Labcorp
Classification: Uncertain significance for RASopathy. Last evaluated: 2024-07-17. Review status: criteria provided, single submitter. Criteria: Invitae Variant Classification Sherloc (09022015). Collection method: clinical testing. Allele origin: germline.
Comment: This sequence change replaces valine, which is neutral and non-polar, with isoleucine, which is neutral and non-polar, at codon 20 of the MAP2K1 protein (p.Val20Ile). This variant is not present in population databases (gnomAD no frequency). This variant has not been reported in the literature in individuals affected with MAP2K1-related conditions. Advanced modeling of protein sequence and biophysical properties (such as structural, functional, and spatial information, amino acid conservation, physicochemical variation, residue mobility, and thermodynamic stability) performed at Invitae indicates that this missense variant is not expected to disrupt MAP2K1 protein function with a negative predictive value of 95%. In summary, the available evidence is currently insufficient to determine the role of this variant in disease. Therefore, it has been classified as a Variant of Uncertain Significance.

NM_002755.4(MAP2K1):c.58G>A (p.Val20Ile)

Gene: MAP2K1 (mitogen-activated protein kinase kinase 1; plus strand). Cytogenetic location: 15q22.31.
Variant type: single nucleotide variant.
Coding change: c.58G>A on transcript NM_002755.4 (MANE Select); coding-DNA position 58, G replaced by A.
Protein change: p.Val20Ile; replaces valine 20 with isoleucine.
Molecular consequence: missense variant.
Genome position (GRCh38, 1-based): chr15:66,387,405, G>A. VCF-style: chr15-66387405-G-A. GRCh37 (hg19) VCF-style: chr15-66679743-G-A.
Other names: short protein forms V20I.
Identifiers: ClinVar variation 3685413 (VCV003685413.2).